The following is an entry in ClinVar:

ClinVar aggregate classification (germline): Uncertain significance (1 of 4 stars; one submission).

Submission:

Greenwood Genetic Center Diagnostic Laboratories, Greenwood Genetic Center
Classification: Uncertain significance. Last evaluated: 2024-01-30. Review status: criteria provided, single submitter. Criteria: ACMG Guidelines, 2015. Collection method: clinical testing. Allele origin: germline. Affected: yes.
Comment: PM2, PP2

NM_133433.4(NIPBL):c.823C>T (p.Pro275Ser)

Gene: NIPBL (NIPBL cohesin loading factor; plus strand). Cytogenetic location: 5p13.2.
Variant type: single nucleotide variant.
Coding change: c.823C>T on transcript NM_133433.4 (MANE Select); coding-DNA position 823, C replaced by T.
Protein change: p.Pro275Ser; replaces proline 275 with serine.
Molecular consequence: missense variant.
Genome position (GRCh38, 1-based): chr5:36,971,996, C>T. VCF-style: chr5-36971996-C-T. GRCh37 (hg19) VCF-style: chr5-36972098-C-T.
Other names: c.823C>T, p.Pro275Ser (NM_015384.5); short protein forms P275S.
Identifiers: ClinVar variation 3235867 (VCV003235867.1), dbSNP rs1338771497, ClinGen allele CA359480391.
Genomic context (GRCh38, chr5:36,971,996, plus strand): 5'-TATTTTTAGGATGGAGATTCTTCAACAATGAGGAATGCTGCATCTTTTCCCTTGAGATCT[C>T]CACAGCCAGTATGCTCCCCTGCTGGAAGTGAAGGAACTCCTAAAGGTACTACTGTAACTA-3'
Protein context (NP_597677.2, residues 265-285): RNAASFPLRS[Pro275Ser]QPVCSPAGSE